The following is an entry in ClinVar:

ClinVar aggregate classification (germline): Likely benign. Review status: criteria provided, multiple submitters, no conflicts (2 of 4 stars). 3 submissions from 3 submitters: Likely benign (2). 1 of the submissions does not count toward it. Last evaluated 2025-09-28.

Conditions:
NPHP4-related disorder. Also called: NPHP4-related condition; NPHP4-related disorders. Identifiers: MedGen CN239384.
Nephronophthisis. Also called: Juvenile Nephronophthisis. Identifiers: Orphanet 655, MedGen C0687120, MONDO:0019005, HP:0000090.

Allele frequency attached by ClinVar (database versions not stated): gnomAD 0.00004; gnomAD exomes 0.00009 and 0.00021; ExAC 0.00036; 1000 Genomes Project 0.00040; 1000 Genomes Project 30x 0.00047.
gnomAD v4.1: 134 of 1,607,022 alleles (0.0083%); highest among the groups gnomAD compares: South Asian, 0.15%; 2 homozygotes.

Submissions (3):

Labcorp Genetics (formerly Invitae), Labcorp
Classification: Likely benign for Nephronophthisis. Last evaluated: 2025-09-28. Review status: criteria provided, single submitter. Criteria: Invitae Variant Classification Sherloc (09022015). Collection method: clinical testing. Allele origin: germline.

Blueprint Genetics
Classification: Likely benign. Last evaluated: 2024-03-01. Review status: criteria provided, single submitter. Criteria: ACMG Guidelines, 2015. Collection method: clinical testing. Allele origin: germline.

PreventionGenetics, part of Exact Sciences
Classification: Likely benign for NPHP4-related condition. Last evaluated: 2024-09-06. Review status: no assertion criteria provided. Collection method: clinical testing. Allele origin: germline. Not counted in ClinVar's aggregate classification.
Comment: This variant is classified as likely benign based on ACMG/AMP sequence variant interpretation guidelines (Richards et al. 2015 PMID: 25741868, with internal and published modifications).

NM_015102.5(NPHP4):c.3888T>G (p.Leu1296=)

Gene: NPHP4 (nephrocystin 4; minus strand). Cytogenetic location: 1p36.31.
Variant type: single nucleotide variant.
Coding change: c.3888T>G on transcript NM_015102.5 (MANE Select); coding-DNA position 3888, T replaced by G.
Protein change: p.Leu1296=; no amino-acid change (leucine 1296 retained).
Molecular consequence: synonymous variant. On other transcripts: non-coding transcript variant (1).
Genome position (GRCh38, 1-based): chr1:5,864,446, A>C on the plus strand (T>G on the coding strand, the complement: NPHP4 is on the minus strand). VCF-style: chr1-5864446-A-C. GRCh37 (hg19) VCF-style: chr1-5924506-A-C.
Other names: c.2349T>G, p.Leu783= (NM_001291593.2); c.2352T>G, p.Leu784= (NM_001291594.2); c.3888T>G (NM_015102.4).
Identifiers: ClinVar variation 1110605 (VCV001110605.11), dbSNP rs530723109, ClinGen allele CA553429.